The following is an entry in ClinVar:

NM_001034116.2(EIF2B4):c.1072G>T (p.Val358Leu)

Genes: EIF2B4 (eukaryotic translation initiation factor 2B subunit delta; minus strand), GTF3C2-AS2 (GTF3C2 antisense RNA 2; plus strand). Cytogenetic location: 2p23.3.
Variant type: single nucleotide variant.
Coding change: c.1072G>T on transcript NM_001034116.2 (MANE Select); coding-DNA position 1072, G replaced by T.
Protein change: p.Val358Leu; replaces valine 358 with leucine.
Molecular consequence: missense variant.
Genome position (GRCh38, 1-based): chr2:27,366,878, C>A on the plus strand (G>T on the coding strand, the complement: EIF2B4 is on the minus strand). VCF-style: chr2-27366878-C-A. GRCh37 (hg19) VCF-style: chr2-27589745-C-A.
Other names: c.1135G>T, p.Val379Leu (NM_001318965.2); c.1027G>T, p.Val343Leu (NM_001318966.2); c.979G>T, p.Val327Leu (NM_001318967.2); c.487G>T, p.Val163Leu (NM_001318968.2); c.454G>T, p.Val152Leu (NM_001318969.2); c.1069G>T, p.Val357Leu (NM_015636.4); c.1132G>T, p.Val378Leu (NM_172195.4); short protein forms V152L, V358L, V378L, V163L, V327L, V343L, V357L, V379L.
Identifiers: ClinVar variation 1957035 (VCV001957035.5), dbSNP rs767857138, ClinGen allele CA1576661.
Genomic context (GRCh38, chr2:27,366,878, plus strand): 5'-GGACTAGAGAACGTAGTGTGTGCCTTCCTTCCAGCCATGGCCGGCTGTCCACCACTACCA[C>A]CCGAAACCGCCGGCCCTCTGTCCAAGCCTCCTGAAGAATTCGTGATACCAGAGATGAGCT-3'
Protein context (NP_001029288.1, residues 348-368): EAWTEGRRFR[Val358Leu]VVVDSRPWLE

ClinVar aggregate classification (germline): Uncertain significance (1 of 4 stars; one submission).

Submission:

Labcorp Genetics (formerly Invitae), Labcorp
Classification: Uncertain significance. Last evaluated: 2023-10-03. Review status: criteria provided, single submitter. Criteria: Invitae Variant Classification Sherloc (09022015). Collection method: clinical testing. Allele origin: germline.
Comment: This sequence change replaces valine, which is neutral and non-polar, with leucine, which is neutral and non-polar, at codon 357 of the EIF2B4 protein (p.Val357Leu). This variant is present in population databases (rs767857138, gnomAD 0.007%). This variant has not been reported in the literature in individuals affected with EIF2B4-related conditions. ClinVar contains an entry for this variant (Variation ID: 1957035). An algorithm developed to predict the effect of missense changes on protein structure and function (PolyPhen-2) suggests that this variant is likely to be disruptive. In summary, the available evidence is currently insufficient to determine the role of this variant in disease. Therefore, it has been classified as a Variant of Uncertain Significance.